The following is an entry in ClinVar:

NM_000466.3(PEX1):c.2509C>T (p.Leu837=)

Gene: PEX1 (peroxisomal biogenesis factor 1; minus strand). Cytogenetic location: 7q21.2.
Variant type: single nucleotide variant.
Coding change: c.2509C>T on transcript NM_000466.3 (MANE Select); coding-DNA position 2509, C replaced by T.
Protein change: p.Leu837=; no amino-acid change (leucine 837 retained).
Molecular consequence: synonymous variant.
Genome position (GRCh38, 1-based): chr7:92,501,581, G>A on the plus strand (C>T on the coding strand, the complement: PEX1 is on the minus strand). VCF-style: chr7-92501581-G-A. GRCh37 (hg19) VCF-style: chr7-92130895-G-A.
Other names: c.2338C>T, p.Leu780= (NM_001282677.2); c.1885C>T, p.Leu629= (NM_001282678.2); c.2509C>T (NM_000466.2).
Identifiers: ClinVar variation 497947 (VCV000497947.15), dbSNP rs371701421, ClinGen allele CA4341106.

ClinVar aggregate classification (germline): Conflicting classifications of pathogenicity. Review status: criteria provided, conflicting classifications (1 of 4 stars). 4 submissions from 4 submitters: Uncertain significance (1); Likely benign (3). Last evaluated 2025-09-23.

Conditions:
PEX1-related disorder. Also called: PEX1-related condition.
Zellweger spectrum disorders (ZS). Also called: Zellweger syndrome; Zellweger Spectrum Disorder (ZSD); Zellweger Spectrum Disorder; Zellweger Spectrum. Identifiers: Orphanet 912, MedGen C0043459, MONDO:0019609.

Allele frequency attached by ClinVar (database versions not stated): gnomAD exomes 0.00001 and 0.00003; ExAC 0.00002; gnomAD 0.00010; TOPMed 0.00012; ESP Exome Variant Server 0.00015; 1000 Genomes Project 30x 0.00016; 1000 Genomes Project 0.00020.
gnomAD v4.1: 24 of 1,613,836 alleles (0.0015%); highest among the groups gnomAD compares: African/African-American, 0.027%; no homozygotes.

Submissions (4):

PreventionGenetics, part of Exact Sciences
Classification: Likely benign for PEX1-related condition. Last evaluated: 2025-09-23. Review status: criteria provided, single submitter. Criteria: ACMG Guidelines, 2015. Collection method: clinical testing. Allele origin: germline.
Comment: This variant is classified as likely benign based on ACMG/AMP sequence variant interpretation guidelines (Richards et al. 2015 PMID: 25741868, with internal and published modifications).

Labcorp Genetics (formerly Invitae), Labcorp
Classification: Likely benign for Zellweger spectrum disorders. Last evaluated: 2025-03-31. Review status: criteria provided, single submitter. Criteria: Invitae Variant Classification Sherloc (09022015). Collection method: clinical testing. Allele origin: germline.

Blueprint Genetics
Classification: Likely benign. Last evaluated: 2023-12-07. Review status: criteria provided, single submitter. Criteria: ACMG Guidelines, 2015. Collection method: clinical testing. Allele origin: germline.

Eurofins Ntd Llc (ga)
Classification: Uncertain significance. Last evaluated: 2018-04-06. Review status: criteria provided, single submitter. Criteria: EGL ClinVar v180209 classification definitions. Collection method: clinical testing. Allele origin: germline. Observed: 2 variant alleles, 2 heterozygotes.